The following is an entry in ClinVar:

NC_012920.1(MT-ND4):m.12026A>G

Gene: MT-ND4 (mitochondrially encoded NADH dehydrogenase 4; plus strand).
Variant type: single nucleotide variant.
Genome position: chrM-12026-A-G.
Identifiers: ClinVar variation 693401 (VCV000693401.1), dbSNP rs202136725, ClinGen allele CA337099374.

ClinVar aggregate classification (germline): Benign (1 of 4 stars; one submission).

Conditions:
Leigh syndrome (NULS). Also called: Leigh's necrotizing encephalopathy; Leigh's disease; Leigh Syndrome (mtDNA deletion); Leigh Disease; Subacute necrotizing encephalopathy; Necrotizing encephalopathy infantile subacute of Leigh. Identifiers: Orphanet 506, MedGen C2931891, MONDO:0009723, OMIM 256000.

Submission:

Wong Mito Lab, Molecular and Human Genetics, Baylor College of Medicine
Classification: Benign for Leigh syndrome. Last evaluated: 2019-10-17. Review status: criteria provided, single submitter. Criteria: Modified ACMG Guidelines (Unpublished). Collection method: clinical testing. Allele origin: germline.
Comment: The NC_012920.1:m.12026A>G (YP_003024035.1:p.Ile423Val) variant in MTND4 gene is interpretated to be a Benign variant based on the modified ACMG guidelines (unpublished). This variant meets the following evidence codes: BS1, BS2